The following is an entry in ClinVar:

NM_001330260.2(SCN8A):c.1507C>G (p.Leu503Val)

Gene: SCN8A (sodium voltage-gated channel alpha subunit 8; plus strand). Cytogenetic location: 12q13.13.
Variant type: single nucleotide variant.
Coding change: c.1507C>G on transcript NM_001330260.2 (MANE Select); coding-DNA position 1507, C replaced by G.
Protein change: p.Leu503Val; replaces leucine 503 with valine.
Molecular consequence: missense variant.
Genome position (GRCh38, 1-based): chr12:51,706,587, C>G. VCF-style: chr12-51706587-C-G. GRCh37 (hg19) VCF-style: chr12-52100371-C-G.
Other names: c.1507C>G, p.Leu503Val (NM_001177984.3, NM_001369788.1, NM_014191.4); short protein forms L503V.
Identifiers: ClinVar variation 995250 (VCV000995250.6), dbSNP rs1022856027, ClinGen allele CA385228958.

ClinVar aggregate classification (germline): Uncertain significance. Review status: criteria provided, multiple submitters, no conflicts (2 of 4 stars). 3 submissions from 3 submitters: Uncertain significance (3). Last evaluated 2023-01-24.

Conditions:
Early-infantile DEE. Also called: Early infantile epileptic encephalopathy with suppression bursts; Ohtahara syndrome; Early infantile epileptic encephalopathy. Identifiers: Orphanet 1934, MedGen C0393706, MONDO:0800491.
SCN8A-related disorder.

Allele frequency attached by ClinVar (database versions not stated): gnomAD 0.00001.
gnomAD v4.1: 2 of 1,608,612 alleles (0.00012%); highest among the groups gnomAD compares: Admixed American, 0.0034%; no homozygotes.

Submissions (3):

PreventionGenetics, part of Exact Sciences
Classification: Uncertain significance for SCN8A-related condition. Last evaluated: 2023-01-24. Review status: criteria provided, single submitter. Criteria: ACMG Guidelines, 2015. Collection method: clinical testing. Allele origin: germline.
Comment: The SCN8A c.1507C>G variant is predicted to result in the amino acid substitution p.Leu503Val. To our knowledge, this variant has not been reported in the literature or in a large population database, indicating this variant is rare. At this time, the clinical significance of this variant is uncertain due to the absence of conclusive functional and genetic evidence.

Labcorp Genetics (formerly Invitae), Labcorp
Classification: Uncertain significance for Early-infantile DEE. Last evaluated: 2022-02-12. Review status: criteria provided, single submitter. Criteria: Invitae Variant Classification Sherloc (09022015). Collection method: clinical testing. Allele origin: germline.
Comment: Algorithms developed to predict the effect of missense changes on protein structure and function are either unavailable or do not agree on the potential impact of this missense change (SIFT: "Deleterious"; PolyPhen-2: "Benign"; Align-GVGD: "Class C0"). This sequence change replaces leucine, which is neutral and non-polar, with valine, which is neutral and non-polar, at codon 503 of the SCN8A protein (p.Leu503Val). This variant is not present in population databases (gnomAD no frequency). This variant has not been reported in the literature in individuals affected with SCN8A-related conditions. ClinVar contains an entry for this variant (Variation ID: 995250). In summary, the available evidence is currently insufficient to determine the role of this variant in disease. Therefore, it has been classified as a Variant of Uncertain Significance.

Athena Diagnostics
Classification: Uncertain significance. Last evaluated: 2020-07-16. Review status: criteria provided, single submitter. Criteria: Athena Diagnostics Criteria. Collection method: clinical testing. Allele origin: unknown.